The following is an entry in ClinVar:

NM_003860.4(BANF1):c.*273C>G

Gene: BANF1 (barrier to autointegration nuclear assembly factor 1; plus strand). Cytogenetic location: 11q13.1.
Variant type: single nucleotide variant.
Coding change: c.*273C>G on transcript NM_003860.4 (MANE Select); 273 bases downstream of the stop codon, C replaced by G.
Molecular consequence: 3 prime UTR variant.
Genome position (GRCh38, 1-based): chr11:66,004,045, C>G. VCF-style: chr11-66004045-C-G. GRCh37 (hg19) VCF-style: chr11-65771516-C-G.
Other names: c.*273C>G (NM_001143985.2).
Identifiers: ClinVar variation 305412 (VCV000305412.6), dbSNP rs142270527, ClinGen allele CA10631244.

ClinVar aggregate classification (germline): Likely benign. Review status: criteria provided, multiple submitters, no conflicts (2 of 4 stars). 2 submissions from 2 submitters: Likely benign (2). Last evaluated 2018-01-12.

Conditions:
Nestor-Guillermo progeria syndrome (NGPS). Also called: PROGERIA SYNDROME, CHILDHOOD-ONSET, WITH OSTEOLYSIS. Identifiers: Orphanet 280576, MedGen C3151446, MONDO:0013523, OMIM 614008.

Allele frequency attached by ClinVar (database versions not stated): TOPMed 0.00057; 1000 Genomes Project 30x 0.00203; gnomAD 0.00037; 1000 Genomes Project 0.00260; gnomAD exomes 0.00066.
gnomAD v4.1: 289 of 477,718 alleles (0.06%); highest among the groups gnomAD compares: East Asian, 1.1%; no homozygotes.

Submissions (2):

Illumina Laboratory Services, Illumina
Classification: Likely benign for Nestor-Guillermo progeria syndrome. Last evaluated: 2018-01-12. Review status: criteria provided, single submitter. Criteria: ICSL Variant Classification Criteria 13 December 2019. Collection method: clinical testing. Allele origin: germline.
Comment: This variant was observed in the ICSL laboratory as part of a predisposition screen in an ostensibly healthy population. It had not been previously curated by ICSL or reported in the Human Gene Mutation Database (HGMD: prior to June 1st, 2018), and was therefore a candidate for classification through an automated scoring system. Utilizing variant allele frequency, disease prevalence and penetrance estimates, and inheritance mode, an automated score was calculated to assess if this variant is too frequent to cause the disease. Based on the score and internal cut-off values, a variant classified as likely benign is not then subjected to further curation. The score for this variant resulted in a classification of likely benign for this disease.

Breakthrough Genomics
Classification: Likely benign. Review status: criteria provided, single submitter. Criteria: ACMG Guidelines, 2015. Collection method: not provided. Allele origin: germline. Inheritance: Autosomal recessive inheritance. Affected: yes.